The following is an entry in ClinVar:

NM_000256.3(MYBPC3):c.922C>T (p.Pro308Ser)

Gene: MYBPC3 (myosin binding protein C3; minus strand). Cytogenetic location: 11p11.2.
Variant type: single nucleotide variant.
Coding change: c.922C>T on transcript NM_000256.3 (MANE Select); coding-DNA position 922, C replaced by T.
Protein change: p.Pro308Ser; replaces proline 308 with serine.
Molecular consequence: missense variant.
Genome position (GRCh38, 1-based): chr11:47,346,631, G>A on the plus strand (C>T on the coding strand, the complement: MYBPC3 is on the minus strand). VCF-style: chr11-47346631-G-A. GRCh37 (hg19) VCF-style: chr11-47368182-G-A.
Other names: c.922C>T, p.Pro308Ser (LRG_386t1); short protein forms P308S.
Identifiers: ClinVar variation 629610 (VCV000629610.4), dbSNP rs1565629496, ClinGen allele CA380332879.

ClinVar aggregate classification (germline): Uncertain significance (1 of 4 stars; one submission).

Conditions:
Cardiomyopathy (CMYO). Also called: Cardiomyopathies. Identifiers: Orphanet 167848, MedGen C0878544, MONDO:0004994, HP:0001638. Inheritance: Various modes of inheritance.

Submission:

Color Diagnostics, LLC DBA Color Health
Classification: Uncertain significance for Cardiomyopathy. Last evaluated: 2023-12-05. Review status: criteria provided, single submitter. Criteria: ACMG Guidelines, 2015. Collection method: clinical testing. Allele origin: germline.
Comment: Variant of Uncertain Significance due to insufficient evidence: This missense variant is located in the myosin binding domain of the MYBPC3 protein. Computational prediction tools and conservation analyses suggest that this variant may not impact the protein function. Computational splicing tools suggest that this variant may not impact RNA splicing. To our knowledge, functional assays have not been performed for this variant nor has this variant been reported in individuals affected with cardiovascular disorders in the literature. This variant is rare in the general population and has been identified in 0/277264 chromosomes by the Genome Aggregation Database (gnomAD). Available evidence is insufficient to determine the pathogenicity of this variant conclusively.